The following is an entry in ClinVar:

ClinVar aggregate classification (germline): Conflicting classifications of pathogenicity. Review status: criteria provided, conflicting classifications (1 of 4 stars). 4 submissions from 4 submitters: Uncertain significance (2); Likely benign (1). 1 of the submissions does not count toward it. Last evaluated 2026-01-20.

Conditions:
Neuromuscular disease caused by qualitative or quantitative defects of dysferlin. Also called: Dysferlinopathy; Qualitative or quantitative defects of dysferlin. Identifiers: Orphanet 207073, MedGen C2931687, MONDO:0016145.
Autosomal recessive limb-girdle muscular dystrophy type 2B (LGMDR2). Also called: Limb-Girdle Muscular Dystrophy Type 2B (LGMD2B); Limb-girdle muscular dystrophy, type 2B; MUSCULAR DYSTROPHY, LIMB-GIRDLE, TYPE 3; MUSCULAR DYSTROPHY, LIMB-GIRDLE, AUTOSOMAL RECESSIVE 2. Identifiers: Orphanet 268, MedGen C1850889, MONDO:0009676, OMIM 253601.
Autosomal recessive limb-girdle muscular dystrophy. Identifiers: Orphanet 102015, MedGen C2931907, MONDO:0015152.

Allele frequency attached by ClinVar (database versions not stated): gnomAD exomes 0.00005; ExAC 0.00006; gnomAD 0.00008 and 0.00009; TOPMed 0.00009; 1000 Genomes Project 30x 0.00016; 1000 Genomes Project 0.00020.
gnomAD v4.1: 86 of 1,612,204 alleles (0.0053%); highest among the groups gnomAD compares: East Asian, 0.022%; no homozygotes.

Submissions (4):

Labcorp Genetics (formerly Invitae), Labcorp
Classification: Likely benign for Neuromuscular disease caused by qualitative or quantitative defects of dysferlin. Last evaluated: 2026-01-20. Review status: criteria provided, single submitter. Criteria: Invitae Variant Classification Sherloc (09022015). Collection method: clinical testing. Allele origin: germline.

Myriad Genetics, Inc.
Classification: Uncertain significance for Autosomal recessive limb-girdle muscular dystrophy. Last evaluated: 2025-08-18. Review status: criteria provided, single submitter. Criteria: Myriad Autosomal Dominant, Autosomal Recessive and X-Linked Classification Criteria (2023). Collection method: clinical testing. Allele origin: unknown.
Comment: NM_003494.3(DYSF):c.1481-8C>T is an intronic variant classified as a variant of uncertain significance in the context of dysferlinopathy. c.1481-8C>T has not been observed in cases with relevant disease. Relevant functional assessments of this variant are not available in the literature. c.1481-8C>T has been observed in referenced population frequency databases. In summary, there is insufficient evidence to classify NM_003494.3(DYSF):c.1481-8C>T as pathogenic or benign. Please note: this variant was assessed in the context of healthy population screening.

Eurofins Ntd Llc (ga)
Classification: Uncertain significance. Last evaluated: 2015-11-03. Review status: criteria provided, single submitter. Criteria: EGL Classification Definitions 2015. Collection method: clinical testing. Allele origin: germline. Observed: 1 variant allele, 1 heterozygote.

Natera, Inc.
Classification: Uncertain significance for Limb-girdle muscular dystrophy type 2B. Last evaluated: 2019-10-28. Review status: no assertion criteria provided. Collection method: clinical testing. Allele origin: germline. Not counted in ClinVar's aggregate classification.

NM_001130987.2(DYSF):c.1577-1699C>T

Gene: DYSF (dysferlin; plus strand). Cytogenetic location: 2p13.2.
Variant type: single nucleotide variant.
Coding change: c.1577-1699C>T on transcript NM_001130987.2 (MANE Select); 1699 bases into the intron before coding-DNA position 1577, C replaced by T.
Molecular consequence: intron variant.
Genome position (GRCh38, 1-based): chr2:71,549,342, C>T. VCF-style: chr2-71549342-C-T. GRCh37 (hg19) VCF-style: chr2-71776472-C-T.
Other names: c.1574-8C>T (NM_001130979.2); c.1574-1699C>T (NM_001130981.2, NM_001130980.2); c.1481-8C>T (NM_001130978.2, NM_003494.4); c.1481-1699C>T (NM_001130977.2, NM_001130976.2); c.1577-8C>T (NM_001130982.2); c.1577-1699C>T (NM_001130985.2); c.1484-8C>T (NM_001130983.2, NM_001130455.2); c.1484-1699C>T (NM_001130984.2, NM_001130986.2).
Identifiers: ClinVar variation 284384 (VCV000284384.17), dbSNP rs183489578, ClinGen allele CA1705835.